The following is an entry in ClinVar:

NM_004260.4(RECQL4):c.1565G>A (p.Arg522His)

Gene: RECQL4 (RecQ like helicase 4; minus strand). Cytogenetic location: 8q24.3.
Variant type: single nucleotide variant.
Coding change: c.1565G>A on transcript NM_004260.4 (MANE Select); coding-DNA position 1565, G replaced by A.
Protein change: p.Arg522His; replaces arginine 522 with histidine.
Molecular consequence: missense variant.
Genome position (GRCh38, 1-based): chr8:144,514,991, C>T on the plus strand (G>A on the coding strand, the complement: RECQL4 is on the minus strand). VCF-style: chr8-144514991-C-T. GRCh37 (hg19) VCF-style: chr8-145740375-C-T.
Other names: short protein forms R522H.
Identifiers: ClinVar variation 135176 (VCV000135176.18), dbSNP rs35842750, ClinGen allele CA161908.

ClinVar aggregate classification (germline): Benign/Likely benign. Review status: criteria provided, multiple submitters, no conflicts (2 of 4 stars). 10 submissions from 9 submitters: Benign (6); Likely benign (1). 3 of the submissions do not count toward it. Last evaluated 2026-02-01.

Conditions:
Rothmund-Thomson syndrome type 2 (RTS2). Identifiers: Orphanet 221016, MedGen C5203410, MONDO:0016369, OMIM 268400.
Hereditary cancer-predisposing syndrome. Also called: Tumor predisposition; Hereditary neoplastic syndrome; Neoplastic Syndromes, Hereditary; Hereditary Cancer Syndrome. Identifiers: Orphanet 140162, MedGen C0027672, MeSH D009386, MONDO:0015356.
Rapadilino syndrome. Identifiers: Orphanet 3021, MedGen C1849453, MONDO:0009955, OMIM 266280.
Baller-Gerold syndrome (BGS). Also called: CRANIOSYNOSTOSIS WITH RADIAL DEFECTS. Identifiers: Orphanet 1225, MedGen C0265308, MONDO:0009039, OMIM 218600.

Allele frequency attached by ClinVar (database versions not stated): gnomAD exomes 0.00284 and 0.00650; ExAC 0.00772; gnomAD 0.01961 and 0.02097; 1000 Genomes Project 0.02077; 1000 Genomes Project 30x 0.02155; TOPMed 0.02189; ESP Exome Variant Server 0.02426.
gnomAD v4.1: 7,303 of 1,611,498 alleles (0.45%); highest among the groups gnomAD compares: African/African-American, 6.7%; 202 homozygotes.

Submissions (10):

Labcorp Genetics (formerly Invitae), Labcorp
Classification: Benign for Baller-Gerold syndrome. Last evaluated: 2026-02-01. Review status: criteria provided, single submitter. Criteria: Invitae Variant Classification Sherloc (09022015). Collection method: clinical testing. Allele origin: germline.

Genomic Medicine Center of Excellence, King Faisal Specialist Hospital and Research Centre
Classification: Likely benign. Last evaluated: 2025-08-18. Review status: criteria provided, single submitter. Criteria: ACMG Guidelines, 2015. Collection method: clinical testing. Allele origin: germline.

KCCC/NGS Laboratory, Kuwait Cancer Control Center
Classification: Benign for Rapadilino syndrome. Last evaluated: 2025-02-01. Review status: criteria provided, single submitter. Criteria: ACMG Guidelines, 2015. Collection method: clinical testing. Allele origin: germline. Affected: no.

KCCC/NGS Laboratory, Kuwait Cancer Control Center
Classification: Benign for Rothmund-Thomson syndrome type 2. Last evaluated: 2023-07-07. Review status: criteria provided, single submitter. Criteria: ACMG Guidelines, 2015. Collection method: clinical testing. Allele origin: germline. Affected: yes.

Sema4
Classification: Benign for Hereditary cancer-predisposing syndrome. Last evaluated: 2019-12-09. Review status: criteria provided, single submitter. Criteria: Sema4 Curation Guidelines. Collection method: curation. Allele origin: germline.

GeneDx
Classification: Benign. Last evaluated: 2018-12-05. Review status: criteria provided, single submitter. Criteria: GeneDx Variant Classification Process June 2021. Collection method: clinical testing. Allele origin: germline. Affected: yes.
Comment: This variant is associated with the following publications: (PMID: 30651579, 30306255)

Breakthrough Genomics
Classification: Benign. Review status: criteria provided, single submitter. Criteria: ACMG Guidelines, 2015. Collection method: not provided. Allele origin: germline. Inheritance: Autosomal recessive inheritance. Affected: yes.

ITMI
No classification provided. Condition: AllHighlyPenetrant. Last evaluated: 2013-09-19. Review status: no classification provided. Collection method: reference population. Allele origin: germline. Not counted in ClinVar's aggregate classification.
Comment: Please see associated publication for description of ethnicities

Genome Diagnostics Laboratory, Amsterdam University Medical Center
Classification: Benign. Review status: no assertion criteria provided. Collection method: clinical testing. Allele origin: germline. Affected: yes. Study: VKGL Data-share Consensus. Not counted in ClinVar's aggregate classification.

Laboratory of Diagnostic Genome Analysis, Leiden University Medical Center (LUMC)
Classification: Likely benign. Review status: no assertion criteria provided. Collection method: clinical testing. Allele origin: germline. Affected: yes. Study: VKGL Data-share Consensus. Not counted in ClinVar's aggregate classification.

Literature cited by the submitters: PubMed 24728327 (cited by ITMI).